The following is an entry in ClinVar:

ClinVar aggregate classification (germline): Uncertain significance (1 of 4 stars; one submission).

Conditions:
Gastrointestinal stromal tumor. Also called: Gastrointestinal stroma tumor; Gastrointestinal stromal tumor, somatic. Identifiers: Orphanet 44890, MedGen C0238198, MeSH D046152, MONDO:0011719, OMIM 606764, HP:0100723.

Submission:

Labcorp Genetics (formerly Invitae), Labcorp
Classification: Uncertain significance for Gastrointestinal stromal tumor. Last evaluated: 2022-02-25. Review status: criteria provided, single submitter. Criteria: Invitae Variant Classification Sherloc (09022015). Collection method: clinical testing. Allele origin: germline.
Comment: This sequence change replaces aspartic acid, which is acidic and polar, with glycine, which is neutral and non-polar, at codon 974 of the KIT protein (p.Asp974Gly). This variant is not present in population databases (gnomAD no frequency). This variant has not been reported in the literature in individuals affected with KIT-related conditions. Algorithms developed to predict the effect of missense changes on protein structure and function (SIFT, PolyPhen-2, Align-GVGD) all suggest that this variant is likely to be tolerated. In summary, the available evidence is currently insufficient to determine the role of this variant in disease. Therefore, it has been classified as a Variant of Uncertain Significance.

NM_000222.3(KIT):c.2921A>G (p.Asp974Gly)

Gene: KIT (KIT proto-oncogene, receptor tyrosine kinase; plus strand). Cytogenetic location: 4q12.
Variant type: single nucleotide variant.
Coding change: c.2921A>G on transcript NM_000222.3 (MANE Select); coding-DNA position 2921, A replaced by G.
Protein change: p.Asp974Gly; replaces aspartic acid 974 with glycine.
Molecular consequence: missense variant.
Genome position (GRCh38, 1-based): chr4:54,738,547, A>G. VCF-style: chr4-54738547-A-G. GRCh37 (hg19) VCF-style: chr4-55604713-A-G.
Other names: c.2909A>G, p.Asp970Gly (NM_001093772.2, NM_001385292.1); c.2924A>G, p.Asp975Gly (NM_001385284.1); c.2918A>G, p.Asp973Gly (NM_001385285.1); c.2906A>G, p.Asp969Gly (NM_001385286.1); c.2912A>G, p.Asp971Gly (NM_001385288.1); c.2921A>G, p.Asp974Gly (NM_001385290.1); short protein forms D974G, D970G, D973G, D969G, D971G, D975G.
Identifiers: ClinVar variation 2151169 (VCV002151169.4), dbSNP rs2109819566, ClinGen allele CA356916626.
Genomic context (GRCh38, chr4:54,738,547, plus strand): 5'-CTGTGCGGATCAATTCTGTCGGCAGCACCGCTTCCTCCTCCCAGCCTCTGCTTGTGCACG[A>G]CGATGTCTGAGCAGAATCAGTGTTTGGGTCACCCCTCCAGGAATGATCTCTTCTTTTGGC-3'
Protein context (NP_000213.1, residues 964-976): ASSSQPLLVH[Asp974Gly]DV